The following is an entry in ClinVar:

NM_004177.5(STX3):c.287A>G (p.Lys96Arg)

Gene: STX3 (syntaxin 3; plus strand). Cytogenetic location: 11q12.1.
Variant type: single nucleotide variant.
Coding change: c.287A>G on transcript NM_004177.5 (MANE Select); coding-DNA position 287, A replaced by G.
Protein change: p.Lys96Arg; replaces lysine 96 with arginine.
Molecular consequence: missense variant.
Genome position (GRCh38, 1-based): chr11:59,788,945, A>G. VCF-style: chr11-59788945-A-G. GRCh37 (hg19) VCF-style: chr11-59556418-A-G.
Other names: c.287A>G, p.Lys96Arg (NM_001178040.3); short protein forms K96R.
Identifiers: ClinVar variation 1507030 (VCV001507030.6), dbSNP rs767658434, ClinGen allele CA6020800.
Genomic context (GRCh38, chr11:59,788,945, plus strand): 5'-ACCTAGAGCAGCTCACGACTGAGATTAAGAAAAGGGCCAACAACGTCCGGAACAAACTGA[A>G]GAGTAAGAAGGGAACAAAGAAAACAAGGCCGTCCCCACCACCATCTATCTCAGCTCCCCT-3'
Protein context (NP_004168.1, residues 86-106): KRANNVRNKL[Lys96Arg]SMEKHIEEDE

ClinVar aggregate classification (germline): Uncertain significance (1 of 4 stars; one submission).

Allele frequency attached by ClinVar (database versions not stated): TOPMed 0.00002; gnomAD exomes 0.00003 and 0.00004; ExAC 0.00005.
gnomAD v4.1: 38 of 1,608,068 alleles (0.0024%); highest among the groups gnomAD compares: Non-Finnish European, 0.0032%; no homozygotes.

Submission:

Labcorp Genetics (formerly Invitae), Labcorp
Classification: Uncertain significance. Last evaluated: 2021-01-28. Review status: criteria provided, single submitter. Criteria: Invitae Variant Classification Sherloc (09022015). Collection method: clinical testing. Allele origin: germline.
Comment: Algorithms developed to predict the effect of missense changes on protein structure and function are either unavailable or do not agree on the potential impact of this missense change (SIFT: "Deleterious"; PolyPhen-2: "Benign"; Align-GVGD: "Class C0"). In summary, the available evidence is currently insufficient to determine the role of this variant in disease. Therefore, it has been classified as a Variant of Uncertain Significance. This variant has not been reported in the literature in individuals with STX3-related conditions. This variant is present in population databases (rs767658434, ExAC 0.009%). This sequence change replaces lysine with arginine at codon 96 of the STX3 protein (p.Lys96Arg). The lysine residue is highly conserved and there is a small physicochemical difference between lysine and arginine.